The following is an entry in ClinVar:

NM_006662.3(SRCAP):c.1493A>T (p.Asp498Val)

Gene: SRCAP (Snf2 related CREBBP activator protein; plus strand). Cytogenetic location: 16p11.2.
Variant type: single nucleotide variant.
Coding change: c.1493A>T on transcript NM_006662.3 (MANE Select); coding-DNA position 1493, A replaced by T.
Protein change: p.Asp498Val; replaces aspartic acid 498 with valine.
Molecular consequence: missense variant.
Genome position (GRCh38, 1-based): chr16:30,711,835, A>T. VCF-style: chr16-30711835-A-T. GRCh37 (hg19) VCF-style: chr16-30723156-A-T.
Other names: short protein forms D498V.
Identifiers: ClinVar variation 1496088 (VCV001496088.32), dbSNP rs199716597, ClinGen allele CA8011021.

ClinVar aggregate classification (germline): Conflicting classifications of pathogenicity. Review status: criteria provided, conflicting classifications (1 of 4 stars). 3 submissions from 3 submitters: Uncertain significance (2); Likely benign (1). Last evaluated 2025-12-02.

Allele frequency attached by ClinVar (database versions not stated): gnomAD 0.00001; ExAC 0.00002; gnomAD exomes 0.00007 and 0.00008; TOPMed 0.00008.
gnomAD v4.1: 97 of 1,613,600 alleles (0.006%); highest among the groups gnomAD compares: Admixed American, 0.018%; no homozygotes.

Submissions (3):

Dasa
Classification: Uncertain significance. Last evaluated: 2025-12-02. Review status: criteria provided, single submitter. Criteria: DASA Assertion Criteria. Collection method: clinical testing. Allele origin: germline.
Comment: NM_006662.3(SRCAP):c.1493A>T (p.Asp498Val) is a missense variant that results in the substitution of aspartic acid with valine. This variant is rare in population databases. The currently available literature and clinical evidence are not sufficient to establish a definitive association between this variant and the reported condition. Therefore, this variant is classified as a variant of uncertain significance.

Labcorp Genetics (formerly Invitae), Labcorp
Classification: Uncertain significance. Last evaluated: 2025-08-20. Review status: criteria provided, single submitter. Criteria: Invitae Variant Classification Sherloc (09022015). Collection method: clinical testing. Allele origin: germline.
Comment: This sequence change replaces aspartic acid, which is acidic and polar, with valine, which is neutral and non-polar, at codon 498 of the SRCAP protein (p.Asp498Val). This variant is present in population databases (rs199716597, gnomAD 0.03%), and has an allele count higher than expected for a pathogenic variant. This variant has not been reported in the literature in individuals affected with SRCAP-related conditions. ClinVar contains an entry for this variant (Variation ID: 1496088). Experimental studies and prediction algorithms are not available or were not evaluated, and the functional significance of this variant is currently unknown. In summary, the available evidence is currently insufficient to determine the role of this variant in disease. Therefore, it has been classified as a Variant of Uncertain Significance.

CeGaT Center for Human Genetics Tuebingen
Classification: Likely benign. Last evaluated: 2022-03-01. Review status: criteria provided, single submitter. Criteria: CeGaT Center For Human Genetics Tuebingen Variant Classification Criteria Version 2. Collection method: clinical testing. Allele origin: germline. Affected: yes. Observed: 1 variant allele.
Comment: SRCAP: BP4, BP7